The following is an entry in ClinVar:

ClinVar aggregate classification (germline): Conflicting classifications of pathogenicity. Review status: criteria provided, conflicting classifications (1 of 4 stars). 2 submissions from 1 submitter: Uncertain significance (1); Likely benign (1). Last evaluated 2018-01-12.

Conditions:
Mitochondrial complex I deficiency, nuclear type 1. Also called: NADH-COENZYME Q REDUCTASE DEFICIENCY; MITOCHONDRIAL NADH DEHYDROGENASE COMPONENT OF COMPLEX I, DEFICIENCY OF. Identifiers: MedGen C6022305, MONDO:0100224, OMIM 252010.
Leigh syndrome (NULS). Also called: Leigh Disease; Subacute necrotizing encephalopathy; Leigh Syndrome (mtDNA deletion); Leigh's syndrome; Leigh's necrotizing encephalopathy; Leigh's disease. Identifiers: Orphanet 506, MedGen C2931891, MONDO:0009723, OMIM 256000.

Allele frequency attached by ClinVar (database versions not stated): 1000 Genomes Project 0.00519; gnomAD 0.00648 and 0.00706; TOPMed 0.00694.
gnomAD v4.1: 1,291 of 937,660 alleles (0.14%); highest among the groups gnomAD compares: African/African-American, 2.3%; 8 homozygotes.

Submissions (2):

Illumina Laboratory Services, Illumina
Classification: Uncertain significance for Mitochondrial complex I deficiency, nuclear type 1. Last evaluated: 2018-01-12. Review status: criteria provided, single submitter. Criteria: ICSL Variant Classification Criteria 13 December 2019. Collection method: clinical testing. Allele origin: germline.

Illumina Laboratory Services, Illumina
Classification: Likely benign for Leigh syndrome. Last evaluated: 2018-01-12. Review status: criteria provided, single submitter. Criteria: ICSL Variant Classification Criteria 13 December 2019. Collection method: clinical testing. Allele origin: germline.
Comment: This variant was observed in the ICSL laboratory as part of a predisposition screen in an ostensibly healthy population. It had not been previously curated by ICSL or reported in the Human Gene Mutation Database (HGMD: prior to June 1st, 2018), and was therefore a candidate for classification through an automated scoring system. Utilizing variant allele frequency, disease prevalence and penetrance estimates, and inheritance mode, an automated score was calculated to assess if this variant is too frequent to cause the disease. Based on the score and internal cut-off values, a variant classified as likely benign is not then subjected to further curation. The score for this variant resulted in a classification of likely benign for this disease.

NM_004544.4(NDUFA10):c.*1453G>A

Gene: NDUFA10 (NADH:ubiquinone oxidoreductase subunit A10; minus strand). Cytogenetic location: 2q37.3.
Variant type: single nucleotide variant.
Coding change: c.*1453G>A on transcript NM_004544.4 (MANE Select); 1453 bases downstream of the stop codon, G replaced by A.
Molecular consequence: 3 prime UTR variant. On other transcripts: non-coding transcript variant (3).
Genome position (GRCh38, 1-based): chr2:239,959,665, C>T on the plus strand (G>A on the coding strand, the complement: NDUFA10 is on the minus strand). VCF-style: chr2-239959665-C-T. GRCh37 (hg19) VCF-style: chr2-240899082-C-T.
Other names: c.*1458G>A (NM_001322020.2).
Identifiers: ClinVar variation 897411 (VCV000897411.4), dbSNP rs192964209, ClinGen allele CA68048052.